The following is an entry in ClinVar:

ClinVar aggregate classification (germline): Uncertain significance (1 of 4 stars; one submission).

Allele frequency attached by ClinVar (database versions not stated): gnomAD 0.00001; TOPMed 0.00001.
gnomAD v4.1: 1 of 1,205,843 alleles (0.000083%); highest among the groups gnomAD compares: African/African-American, 0.0018%; no homozygotes.

Submission:

Labcorp Genetics (formerly Invitae), Labcorp
Classification: Uncertain significance. Last evaluated: 2023-06-14. Review status: criteria provided, single submitter. Criteria: Invitae Variant Classification Sherloc (09022015). Collection method: clinical testing. Allele origin: germline.
Comment: This sequence change replaces serine, which is neutral and polar, with cysteine, which is neutral and slightly polar, at codon 1802 of the CACNA1F protein (p.Ser1802Cys). This variant is not present in population databases (gnomAD no frequency). This variant has not been reported in the literature in individuals affected with CACNA1F-related conditions. An algorithm developed to predict the effect of missense changes on protein structure and function (PolyPhen-2) suggests that this variant is likely to be tolerated. In summary, the available evidence is currently insufficient to determine the role of this variant in disease. Therefore, it has been classified as a Variant of Uncertain Significance.

NM_001256789.3(CACNA1F):c.5372C>G (p.Ser1791Cys)

Gene: CACNA1F (calcium voltage-gated channel subunit alpha1 F; minus strand). Cytogenetic location: Xp11.23.
Variant type: single nucleotide variant.
Coding change: c.5372C>G on transcript NM_001256789.3 (MANE Select); coding-DNA position 5372, C replaced by G.
Protein change: p.Ser1791Cys; replaces serine 1791 with cysteine.
Molecular consequence: missense variant.
Genome position (GRCh38, 1-based): chrX:49,206,611, G>C on the plus strand (C>G on the coding strand, the complement: CACNA1F is on the minus strand). VCF-style: chrX-49206611-G-C. GRCh37 (hg19) VCF-style: chrX-49063072-G-C.
Other names: c.5210C>G, p.Ser1737Cys (NM_001256790.3); c.5405C>G, p.Ser1802Cys (NM_005183.4); short protein forms S1802C, S1737C, S1791C.
Identifiers: ClinVar variation 2792420 (VCV002792420.3), dbSNP rs1602621312, ClinGen allele CA412958030.